The following is an entry in ClinVar:

ClinVar aggregate classification (germline): Uncertain significance (1 of 4 stars; one submission).

Conditions:
Early-infantile DEE. Also called: Ohtahara syndrome; Early infantile epileptic encephalopathy with suppression bursts; Early infantile epileptic encephalopathy. Identifiers: Orphanet 1934, MedGen C0393706, MONDO:0800491.

Allele frequency attached by ClinVar (database versions not stated): gnomAD 0.00002.
gnomAD v4.1: 4 of 1,612,176 alleles (0.00025%); highest among the groups gnomAD compares: African/African-American, 0.0053%; no homozygotes.

Submission:

Labcorp Genetics (formerly Invitae), Labcorp
Classification: Uncertain significance for Early-infantile DEE. Last evaluated: 2024-08-28. Review status: criteria provided, single submitter. Criteria: Invitae Variant Classification Sherloc (09022015). Collection method: clinical testing. Allele origin: germline.
Comment: This sequence change replaces proline, which is neutral and non-polar, with leucine, which is neutral and non-polar, at codon 455 of the ARHGEF15 protein (p.Pro455Leu). This variant is present in population databases (rs755636448, gnomAD 0.007%). This variant has not been reported in the literature in individuals affected with ARHGEF15-related conditions. An algorithm developed to predict the effect of missense changes on protein structure and function (PolyPhen-2) suggests that this variant is likely to be tolerated. In summary, the available evidence is currently insufficient to determine the role of this variant in disease. Therefore, it has been classified as a Variant of Uncertain Significance.

NM_173728.4(ARHGEF15):c.1364C>T (p.Pro455Leu)

Gene: ARHGEF15 (Rho guanine nucleotide exchange factor 15; plus strand). Cytogenetic location: 17p13.1.
Variant type: single nucleotide variant.
Coding change: c.1364C>T on transcript NM_173728.4 (MANE Select); coding-DNA position 1364, C replaced by T.
Protein change: p.Pro455Leu; replaces proline 455 with leucine.
Molecular consequence: missense variant.
Genome position (GRCh38, 1-based): chr17:8,315,517, C>T. VCF-style: chr17-8315517-C-T. GRCh37 (hg19) VCF-style: chr17-8218835-C-T.
Other names: c.1364C>T, p.Pro455Leu (NM_025014.2); short protein forms P455L.
Identifiers: ClinVar variation 2894044 (VCV002894044.3), dbSNP rs755636448, ClinGen allele CA8375152.